The following is an entry in ClinVar:

NM_000051.3:c.7388_7389insAlu

Gene: ATM (ATM serine/threonine kinase; plus strand). Cytogenetic location: 11q22.3.
Variant type: Insertion.
Identifiers: ClinVar variation 870284 (VCV000870284.3).

ClinVar aggregate classification (germline): Pathogenic/Likely pathogenic. Review status: criteria provided, multiple submitters, no conflicts (2 of 4 stars). 2 submissions from 2 submitters: Pathogenic (1); Likely pathogenic (1). Last evaluated 2020-01-19.

Conditions:
Hereditary cancer-predisposing syndrome. Also called: Tumor predisposition; Hereditary neoplastic syndrome; Hereditary Cancer Syndrome; Neoplastic Syndromes, Hereditary. Identifiers: Orphanet 140162, MedGen C0027672, MeSH D009386, MONDO:0015356.
Ataxia-telangiectasia syndrome (AT). Also called: Cerebello-oculocutaneous telangiectasia; Immunodeficiency with ataxia telangiectasia; Ataxia-telangiectasia, complementation group D; AT, COMPLEMENTATION GROUP C; Ataxia-telangiectasia; LOUIS-BAR SYNDROME. Identifiers: Orphanet 100, MedGen C0004135, MONDO:0008840, OMIM 208900.

Submissions (2):

Labcorp Genetics (formerly Invitae), Labcorp
Classification: Pathogenic for Ataxia-telangiectasia syndrome. Last evaluated: 2020-01-19. Review status: criteria provided, single submitter. Criteria: Invitae Variant Classification Sherloc (09022015). Collection method: clinical testing. Allele origin: germline.
Comment: This sequence change inserts a large fragment of DNA, likely a transposable element, in exon 50 of the ATM gene (c.7388_7389insAlu), causing a frameshift at codon 2463 (p.Leu2463fs). The exact size and sequence of the insertion cannot be determined by the current assay. However, the insertion is expected to result in an absent or disrupted protein product. This variant has not been reported in the literature in individuals with ATM-related conditions. Retrotransposon insertions including LINE1 (L1), Alu, and SVA (SINE-VNTR-Alu) have been reported to be disease-causing through disruption of either a coding region or splice site (PMID: 19763152, 20307669, 22406018) and loss-of-function variants in ATM are known to be pathogenic (PMID: 23807571, 25614872). For these reasons, this variant has been classified as Pathogenic.

Ambry Genetics
Classification: Likely pathogenic for Hereditary cancer-predisposing syndrome. Last evaluated: 2018-09-13. Review status: criteria provided, single submitter. Criteria: Ambry Variant Classification Scheme 2023. Collection method: clinical testing. Allele origin: germline.
Comment: The c.7388_7389insALU likely pathogenic variant results from an Alu element insertion located in coding exon 49 of the ATM gene. Alu element insertions contribute to pathogenicity by either disrupting the coding sequence or inducing aberrant splicing (Belancio VP et al. Semin. Cancer Biol. 2010 Aug;20:200-10; Deininger P et al. Genome Biol. 2011 Dec;12:236). Based on the majority of available evidence to date, this variant is likely to be pathogenic.

Literature cited by the submitters: PubMed 25614872 (cited by Labcorp Genetics (formerly Invitae), Labcorp); PubMed 20307669 (cited by Labcorp Genetics (formerly Invitae), Labcorp); PubMed 22406018 (cited by Labcorp Genetics (formerly Invitae), Labcorp); PubMed 23807571 (cited by Labcorp Genetics (formerly Invitae), Labcorp); PubMed 19763152 (cited by Labcorp Genetics (formerly Invitae), Labcorp); PubMed 30563988 (cited by Ambry Genetics).